The following is an entry in ClinVar:

NM_145199.3(LIPT1):c.*4del

Genes: LIPT1 (lipoyltransferase 1; plus strand), MITD1 (microtubule interacting and trafficking domain containing 1; minus strand). Cytogenetic location: 2q11.2.
Variant type: Deletion.
Coding change: c.*4del on transcript NM_145199.3 (MANE Select); 4 bases downstream of the stop codon, one base deleted (C; older notation c.*4delC).
Molecular consequence: 3 prime UTR variant. On other transcripts: non-coding transcript variant (2).
Genome position (GRCh38, 1-based): chr2:99,163,083, C deleted; the last of 2 consecutive C bases (chr2:99,163,082-99,163,083); deleting either gives the same sequence. VCF-style (leftmost placement, unchanged base first): chr2-99163081-TC-T. GRCh37 (hg19) VCF-style: chr2-99779544-TC-T.
Other names: c.*4del (NM_001204830.2, NM_015929.4, NM_145197.3 and 1 more transcripts).
Identifiers: ClinVar variation 3345187 (VCV003345187.1).

ClinVar aggregate classification (germline): Likely benign (0 of 4 stars; one submission).

Conditions:
LIPT1-related disorder. Also called: LIPT1-related condition.

Submission:

PreventionGenetics, part of Exact Sciences
Classification: Likely benign for LIPT1-related condition. Last evaluated: 2020-02-26. Review status: no assertion criteria provided. Collection method: clinical testing. Allele origin: germline.
Comment: This variant is classified as likely benign based on ACMG/AMP sequence variant interpretation guidelines (Richards et al. 2015 PMID: 25741868, with internal and published modifications).